The following is an entry in ClinVar:

NM_001127222.2(CACNA1A):c.3533T>A (p.Leu1178His)

Gene: CACNA1A (calcium voltage-gated channel subunit alpha1 A; minus strand). Cytogenetic location: 19p13.13.
Variant type: single nucleotide variant.
Coding change: c.3533T>A on transcript NM_001127222.2 (MANE Select); coding-DNA position 3533, T replaced by A.
Protein change: p.Leu1178His; replaces leucine 1178 with histidine.
Molecular consequence: missense variant.
Genome position (GRCh38, 1-based): chr19:13,286,523, A>T on the plus strand (T>A on the coding strand, the complement: CACNA1A is on the minus strand). VCF-style: chr19-13286523-A-T. GRCh37 (hg19) VCF-style: chr19-13397337-A-T.
Other names: c.3545T>A, p.Leu1182His (NM_000068.4, NM_023035.3); c.3536T>A, p.Leu1179His (NM_001127221.2, NM_001174080.2); short protein forms L1182H, L1178H, L1179H.
Identifiers: ClinVar variation 1503091 (VCV001503091.9), dbSNP rs761259850, ClinGen allele CA9240290.

ClinVar aggregate classification (germline): Uncertain significance. Review status: criteria provided, multiple submitters, no conflicts (2 of 4 stars). 2 submissions from 2 submitters: Uncertain significance (2). Last evaluated 2022-11-09.

Conditions:
Episodic ataxia type 2 (EA2). Also called: ATAXIA, EPISODIC, WITH NYSTAGMUS; ATAXIA, FAMILIAL PAROXYSMAL; CEREBELLAR ATAXIA, PAROXYSMAL, ACETAZOLAMIDE-RESPONSIVE; CEREBELLOPATHY, HEREDITARY PAROXYSMAL; ACETAZOLAMIDE-RESPONSIVE HEREDITARY PAROXYSMAL CEREBELLAR ATAXIA; EPISODIC ATAXIA, NYSTAGMUS-ASSOCIATED. Identifiers: Orphanet 97, MedGen C1720416, MONDO:0007163, OMIM 108500.
Developmental and epileptic encephalopathy, 42 (DEE42A). Also called: DEVELOPMENTAL AND EPILEPTIC ENCEPHALOPATHY 42A; EPILEPTIC ENCEPHALOPATHY, EARLY INFANTILE, 42A; Epileptic encephalopathy, early infantile, 42. Identifiers: MedGen C4310716, MONDO:0014917, OMIM 617106.

Allele frequency attached by ClinVar (database versions not stated): gnomAD 0.00002 and 0.00003; gnomAD exomes 0.00002; ExAC 0.00003.
gnomAD v4.1: 13 of 980,764 alleles (0.0013%); highest among the groups gnomAD compares: Admixed American, 0.0025%; no homozygotes.

Submissions (2):

Clinical Genetics Laboratory, Skane University Hospital Lund
Classification: Uncertain significance. Last evaluated: 2022-11-09. Review status: criteria provided, single submitter. Criteria: ACMG Guidelines, 2015. Collection method: clinical testing. Allele origin: germline. Affected: yes.

Labcorp Genetics (formerly Invitae), Labcorp
Classification: Uncertain significance for Developmental and epileptic encephalopathy, 42; Episodic ataxia type 2. Last evaluated: 2022-03-19. Review status: criteria provided, single submitter. Criteria: Invitae Variant Classification Sherloc (09022015). Collection method: clinical testing. Allele origin: germline.
Comment: In summary, the available evidence is currently insufficient to determine the role of this variant in disease. Therefore, it has been classified as a Variant of Uncertain Significance. Advanced modeling of protein sequence and biophysical properties (such as structural, functional, and spatial information, amino acid conservation, physicochemical variation, residue mobility, and thermodynamic stability) performed at Invitae indicates that this missense variant is not expected to disrupt CACNA1A protein function. This variant has not been reported in the literature in individuals affected with CACNA1A-related conditions. This variant is present in population databases (rs761259850, gnomAD 0.004%). This sequence change replaces leucine, which is neutral and non-polar, with histidine, which is basic and polar, at codon 1179 of the CACNA1A protein (p.Leu1179His).